The following is an entry in ClinVar:

NM_000214.3(JAG1):c.888T>A (p.Asp296Glu)

Gene: JAG1 (jagged canonical Notch ligand 1; minus strand). Cytogenetic location: 20p12.2.
Variant type: single nucleotide variant.
Coding change: c.888T>A on transcript NM_000214.3 (MANE Select); coding-DNA position 888, T replaced by A.
Protein change: p.Asp296Glu; replaces aspartic acid 296 with glutamic acid.
Molecular consequence: missense variant.
Genome position (GRCh38, 1-based): chr20:10,652,249, A>T on the plus strand (T>A on the coding strand, the complement: JAG1 is on the minus strand). VCF-style: chr20-10652249-A-T. GRCh37 (hg19) VCF-style: chr20-10632897-A-T.
Other names: short protein forms D296E.
Identifiers: ClinVar variation 3573163 (VCV003573163.2).

Conditions:
Arteriohepatic dysplasia. Also called: Alagille Syndrome. Identifiers: Orphanet 52, MedGen C0085280, MeSH D016738, MONDO:0007318.

Submission:

Gilbert/Spinner Lab, Children's Hospital of Philadelphia
No classification provided (evidence only). Condition: Alagille syndrome. Review status: no classification provided. Collection method: research. Allele origin: not applicable. Functional consequence: functionally_abnormal.
ClinVar note: "not provided" was previously submitted as the classification for the variant. However, the classification appeared to be based only on an observation of functional data so it was converted to no classification on 2025-07-30.